The following is an entry in ClinVar:

ClinVar aggregate classification (germline): Uncertain significance (1 of 4 stars; one submission).

Conditions:
Congenital sideroblastic anemia-B-cell immunodeficiency-periodic fever-developmental delay syndrome. Also called: Sideroblastic anemia with B-cell immunodeficiency, periodic fevers, and developmental delay. Identifiers: Orphanet 369861, MedGen C4015172, MONDO:0014487, OMIM 616084.

Submission:

Labcorp Genetics (formerly Invitae), Labcorp
Classification: Uncertain significance for Congenital sideroblastic anemia-B-cell immunodeficiency-periodic fever-developmental delay syndrome. Last evaluated: 2024-02-17. Review status: criteria provided, single submitter. Criteria: Invitae Variant Classification Sherloc (09022015). Collection method: clinical testing. Allele origin: germline.
Comment: This sequence change replaces aspartic acid, which is acidic and polar, with asparagine, which is neutral and polar, at codon 341 of the TRNT1 protein (p.Asp341Asn). This variant is not present in population databases (gnomAD no frequency). This variant has not been reported in the literature in individuals affected with TRNT1-related conditions. ClinVar contains an entry for this variant (Variation ID: 1412624). Advanced modeling of protein sequence and biophysical properties (such as structural, functional, and spatial information, amino acid conservation, physicochemical variation, residue mobility, and thermodynamic stability) performed at Invitae indicates that this missense variant is not expected to disrupt TRNT1 protein function with a negative predictive value of 80%. In summary, the available evidence is currently insufficient to determine the role of this variant in disease. Therefore, it has been classified as a Variant of Uncertain Significance.

NM_182916.3(TRNT1):c.1021G>A (p.Asp341Asn)

Gene: TRNT1 (tRNA nucleotidyl transferase 1; plus strand). Cytogenetic location: 3p26.2.
Variant type: single nucleotide variant.
Coding change: c.1021G>A on transcript NM_182916.3 (MANE Select); coding-DNA position 1021, G replaced by A.
Protein change: p.Asp341Asn; replaces aspartic acid 341 with asparagine.
Molecular consequence: missense variant. On other transcripts: non-coding transcript variant (8).
Genome position (GRCh38, 1-based): chr3:3,147,668, G>A. VCF-style: chr3-3147668-G-A. GRCh37 (hg19) VCF-style: chr3-3189352-G-A.
Other names: c.961G>A, p.Asp321Asn (NM_001302946.2); c.1021G>A, p.Asp341Asn (NM_001367321.1, NM_001367322.1, NM_001367323.1); short protein forms D341N, D321N.
Identifiers: ClinVar variation 1412624 (VCV001412624.8), dbSNP rs2126037069, ClinGen allele CA351448267.